The following is an entry in ClinVar:

ClinVar aggregate classification (germline): Pathogenic (1 of 4 stars; one submission).

Conditions:
Polycystic kidney disease, adult type (PKD1). Also called: Polycystic Kidney Disease 1, Autosomal Dominant; Polycystic kidney disease 1; Polycystic kidney disease 1, severe; POLYCYSTIC KIDNEY DISEASE, ADULT, TYPE I; Polycystic Kidney, Autosomal Dominant; POLYCYSTIC KIDNEY DISEASE 1 WITH OR WITHOUT POLYCYSTIC LIVER DISEASE. Identifiers: MedGen C3149841, MONDO:0008263, OMIM 173900.

Submission:

Victorian Clinical Genetics Services, Murdoch Childrens Research Institute
Classification: Pathogenic for Polycystic kidney disease, adult type. Last evaluated: 2026-02-10. Review status: criteria provided, single submitter. Criteria: ACMG Guidelines, 2015. Collection method: clinical testing. Allele origin: germline. Affected: yes.
Comment: This variant is classified as Pathogenic. Evidence in support of pathogenic classification: Variant is predicted to cause nonsense-mediated decay (NMD) and loss of protein (premature termination codon is located at least 54 nucleotides upstream of the final exon-exon junction); Variant is absent from gnomAD (v2, v3 and v4); Other NMD-predicted variant(s) comparable to the one identified in this case have very strong previous evidence for pathogenicity (DECIPHER). Additional information: This variant is heterozygous; This gene is associated with autosomal dominant disease. Polycystic kidney disease 1 (MIM#173900) is predominantly caused by monoallelic variants, with rare reports of biallelic variants causing disease (OMIM); Loss of function is a known mechanism of disease in this gene and is associated with polycystic kidney disease 1 (MIM#173900); Inheritance information for this variant is not currently available in this individual.

NM_001009944.3(PKD1):c.4875del (p.Phe1625fs)

Gene: PKD1 (polycystin 1, transient receptor potential channel interacting; minus strand). Cytogenetic location: 16p13.3.
Variant type: Deletion.
Coding change: c.4875del on transcript NM_001009944.3 (MANE Select); coding-DNA position 4875, one base deleted (C; older notation c.4875delC).
Protein change: p.Phe1625fs; shifts the reading frame from phenylalanine 1625.
Molecular consequence: frameshift variant.
Genome position (GRCh38, 1-based): chr16:2,110,292, G deleted on the plus strand (C on the coding strand, the reverse complement: PKD1 is on the minus strand). VCF-style (leftmost placement, unchanged base first): chr16-2110291-CG-C. GRCh37 (hg19) VCF-style: chr16-2160292-CG-C.
Other names: c.4875del, p.Phe1625fs (NM_000296.4); short protein forms F1625fs.
Identifiers: ClinVar variation 4879618 (VCV004879618.1).
Genomic context (GRCh38, chr16:2,110,291, plus strand): 5'-TGGGGAAGTAGCGGCCACCGCCCACCACCTGCAGCCCCTCTATGAGCTGCAGGACATAGA[CG>C]AAGATGCTGTCCTGGGCGGAGCCCACCTCGTTCTCAGCCGTGACGATGATATTGAAGGTG-3'